The following is an entry in ClinVar:

NM_173728.4(ARHGEF15):c.1897C>T (p.Arg633Trp)

Gene: ARHGEF15 (Rho guanine nucleotide exchange factor 15; plus strand). Cytogenetic location: 17p13.1.
Variant type: single nucleotide variant.
Coding change: c.1897C>T on transcript NM_173728.4 (MANE Select); coding-DNA position 1897, C replaced by T.
Protein change: p.Arg633Trp; replaces arginine 633 with tryptophan.
Molecular consequence: missense variant.
Genome position (GRCh38, 1-based): chr17:8,318,774, C>T. VCF-style: chr17-8318774-C-T. GRCh37 (hg19) VCF-style: chr17-8222092-C-T.
Other names: c.1897C>T, p.Arg633Trp (NM_025014.2); short protein forms R633W.
Identifiers: ClinVar variation 161833 (VCV000161833.4), dbSNP rs193921031, ClinGen allele CA174872.
Genomic context (GRCh38, chr17:8,318,774, plus strand): 5'-CACGCTAGAACCTCCTCTGCCTCCGCTTCCTCGCAGGCCCTGCCCCTGGTCTCCTGGTCA[C>T]GGCGCCTGGAATTCCAGGGAGAGCTGACTGAGTTAGGGTGCCGGAGGGGGGGCGTGCTCT-3'
Protein context (NP_776089.2, residues 623-643): VKALPLVSWS[Arg633Trp]RLEFQGELTE

ClinVar aggregate classification (germline): Uncertain significance. Review status: criteria provided, single submitter (1 of 4 stars). 2 submissions from 2 submitters: Uncertain significance (1). 1 of the submissions does not count toward it. Last evaluated 2024-06-26.

Conditions:
Early-infantile DEE. Also called: Early infantile epileptic encephalopathy; Ohtahara syndrome; Early infantile epileptic encephalopathy with suppression bursts. Identifiers: Orphanet 1934, MedGen C0393706, MONDO:0800491.
Prostate cancer. Also called: Malignant tumor of prostate. Identifiers: Orphanet 1331, MedGen C0376358, MONDO:0008315, HP:0012125.

Allele frequency attached by ClinVar (database versions not stated): ExAC 0.00002; TOPMed 0.00001; gnomAD exomes 0.00001; gnomAD 0.00002.

Submissions (2):

Labcorp Genetics (formerly Invitae), Labcorp
Classification: Uncertain significance for Early-infantile DEE. Last evaluated: 2024-06-26. Review status: criteria provided, single submitter. Criteria: Invitae Variant Classification Sherloc (09022015). Collection method: clinical testing. Allele origin: germline.
Comment: This sequence change replaces arginine, which is basic and polar, with tryptophan, which is neutral and slightly polar, at codon 633 of the ARHGEF15 protein (p.Arg633Trp). This variant is present in population databases (rs193921031, gnomAD 0.003%). This variant has not been reported in the literature in individuals affected with ARHGEF15-related conditions. ClinVar contains an entry for this variant (Variation ID: 161833). An algorithm developed to predict the effect of missense changes on protein structure and function (PolyPhen-2) suggests that this variant is likely to be disruptive. In summary, the available evidence is currently insufficient to determine the role of this variant in disease. Therefore, it has been classified as a Variant of Uncertain Significance.

Science for Life laboratory,  Karolinska Institutet
Classification: Uncertain significance for Malignant tumor of prostate. Review status: no assertion criteria provided. Collection method: not provided. Allele origin: somatic. Not counted in ClinVar's aggregate classification.
Comment: TumorID:SWE-8
ClinVar note: Converted during submission from Unknown to Uncertain significance.